The following is an entry in ClinVar:

ClinVar aggregate classification (germline): Likely pathogenic (1 of 4 stars; one submission).

Conditions:
Neurofibromatosis, type 1 (NF1). Also called: Neurofibromatosis, type I; VON RECKLINGHAUSEN DISEASE; NEUROFIBROMATOSIS, TYPE I, SOMATIC; Peripheral type neurofibromatosis. Identifiers: Orphanet 636, MedGen C0027831, MONDO:0018975, OMIM 162200. Disease mechanism: loss of function.

Submission:

Labcorp Genetics (formerly Invitae), Labcorp
Classification: Likely pathogenic for Neurofibromatosis, type 1. Last evaluated: 2021-03-12. Review status: criteria provided, single submitter. Criteria: Invitae Variant Classification Sherloc (09022015). Collection method: clinical testing. Allele origin: germline.
Comment: This sequence change affects an acceptor splice site in intron 13 of the NF1 gene. It is expected to disrupt RNA splicing. Variants that disrupt the donor or acceptor splice site typically lead to a loss of protein function (PMID: 16199547), and loss-of-function variants in NF1 are known to be pathogenic (PMID: 10712197, 23913538). This variant is not present in population databases (ExAC no frequency). This variant has not been reported in the literature in individuals with NF1-related conditions. Algorithms developed to predict the effect of sequence changes on RNA splicing suggest that this variant may disrupt the consensus splice site, but this prediction has not been confirmed by published transcriptional studies. In summary, the currently available evidence indicates that the variant is pathogenic, but additional data are needed to prove that conclusively. Therefore, this variant has been classified as Likely Pathogenic.

Literature cited by the submitters: PubMed 16199547; PubMed 10712197; PubMed 23913538.

NM_001042492.3(NF1):c.1528-2A>C

Gene: NF1 (neurofibromin 1; plus strand). Cytogenetic location: 17q11.2.
Variant type: single nucleotide variant.
Coding change: c.1528-2A>C on transcript NM_001042492.3 (MANE Select); the canonical splice acceptor site of the intron before coding-DNA position 1528, A replaced by C.
Molecular consequence: splice acceptor variant.
Genome position (GRCh38, 1-based): chr17:31,219,003, A>C. VCF-style: chr17-31219003-A-C. GRCh37 (hg19) VCF-style: chr17-29546021-A-C.
Other names: c.1528-2A>C (NM_000267.4, NM_001128147.3).
Identifiers: ClinVar variation 1472548 (VCV001472548.8), dbSNP rs1368005133, ClinGen allele CA399001806.